The following is an entry in ClinVar:

ClinVar aggregate classification (germline): Benign/Likely benign. Review status: criteria provided, multiple submitters, no conflicts (2 of 4 stars). 4 submissions from 4 submitters: Benign (2); Likely benign (2). Last evaluated 2026-01-20.

Conditions:
Arrhythmogenic right ventricular dysplasia 11. Also called: Arrhythmogenic Right Ventricular Dysplasia/Cardiomyopathy11; ARRHYTHMOGENIC RIGHT VENTRICULAR DYSPLASIA, FAMILIAL, 11; Arrhythmogenic right ventricular dysplasia 11 with mild palmoplantar keratoderma and woolly hair. Identifiers: MedGen C1864850, MONDO:0012506, OMIM 610476.

Allele frequency attached by ClinVar (database versions not stated): gnomAD below 0.00001 and 0.00009; TOPMed 0.00001; ESP Exome Variant Server 0.00008; gnomAD exomes 0.00051; ExAC 0.00070; 1000 Genomes Project 0.00080; 1000 Genomes Project 30x 0.00109.

Submissions (4):

Labcorp Genetics (formerly Invitae), Labcorp
Classification: Benign for Arrhythmogenic right ventricular dysplasia 11. Last evaluated: 2026-01-20. Review status: criteria provided, single submitter. Criteria: Invitae Variant Classification Sherloc (09022015). Collection method: clinical testing. Allele origin: germline.

Blueprint Genetics
Classification: Likely benign. Last evaluated: 2024-06-28. Review status: criteria provided, single submitter. Criteria: ACMG Guidelines, 2015. Collection method: clinical testing. Allele origin: germline.

Women's Health and Genetics/Laboratory Corporation of America, LabCorp
Classification: Benign. Last evaluated: 2021-06-01. Review status: criteria provided, single submitter. Criteria: LabCorp Variant Classification Summary - May 2015. Collection method: clinical testing. Allele origin: germline.
Comment: Variant summary: DSC2 c.70-20G>A alters a conserved nucleotide located close to a canonical splice site and therefore could affect mRNA splicing, leading to a significantly altered protein sequence. 4/4 computational tools predict no significant impact on normal splicing. However, these predictions have yet to be confirmed by functional studies. The variant allele was found at a frequency of 0.00051 in 244330 control chromosomes, predominantly at a frequency of 0.0041 within the South Asian subpopulation in the gnomAD database, including 4 homozygotes. The observed variant frequency within South Asian control individuals in the gnomAD database is approximately 25 fold of the estimated maximal expected allele frequency for a pathogenic variant in DSC2 causing Arrhythmogenic Right Ventricular Dysplasia/Cardiomyopathy phenotype (0.00016), strongly suggesting that the variant is a benign polymorphism found primarily in populations of South Asian origin. To our knowledge, no occurrence of c.70-20G>A in individuals affected with Arrhythmogenic Right Ventricular Dysplasia/Cardiomyopathy and no experimental evidence demonstrating its impact on protein function have been reported. One ClinVar submitter (evaluation after 2014) cites the variant as likely benign. Based on the evidence outlined above, the variant was classified as benign.

GeneDx
Classification: Likely benign. Last evaluated: 2018-04-24. Review status: criteria provided, single submitter. Criteria: GeneDx Variant Classification Process June 2021. Collection method: clinical testing. Allele origin: germline. Affected: yes.

NM_024422.6(DSC2):c.70-20G>A

Gene: DSC2 (desmocollin 2; minus strand). Cytogenetic location: 18q12.1.
Variant type: single nucleotide variant.
Coding change: c.70-20G>A on transcript NM_024422.6 (MANE Select); 20 bases into the intron before coding-DNA position 70, G replaced by A.
Molecular consequence: intron variant.
Genome position (GRCh38, 1-based): chr18:31,093,663, C>T on the plus strand (G>A on the coding strand, the complement: DSC2 is on the minus strand). VCF-style: chr18-31093663-C-T. GRCh37 (hg19) VCF-style: chr18-28673626-C-T.
Other names: c.70-20G>A (NM_004949.5).
Identifiers: ClinVar variation 377802 (VCV000377802.13), dbSNP rs374486794, ClinGen allele CA039467.